The following is an entry in ClinVar:

NM_017433.5(MYO3A):c.2702T>A (p.Ile901Asn)

Gene: MYO3A (myosin IIIA; plus strand). Cytogenetic location: 10p12.1.
Variant type: single nucleotide variant.
Coding change: c.2702T>A on transcript NM_017433.5 (MANE Select); coding-DNA position 2702, T replaced by A.
Protein change: p.Ile901Asn; replaces isoleucine 901 with asparagine.
Molecular consequence: missense variant.
Genome position (GRCh38, 1-based): chr10:26,153,916, T>A. VCF-style: chr10-26153916-T-A. GRCh37 (hg19) VCF-style: chr10-26442845-T-A.
Other names: short protein forms I901N.
Identifiers: ClinVar variation 1196409 (VCV001196409.20), dbSNP rs201572198, ClinGen allele CA5445031.

ClinVar aggregate classification (germline): Conflicting classifications of pathogenicity. Review status: criteria provided, conflicting classifications (1 of 4 stars). 3 submissions from 3 submitters: Uncertain significance (2); Likely benign (1). Last evaluated 2024-09-12.

Allele frequency attached by ClinVar (database versions not stated): TOPMed 0.00001; gnomAD 0.00002 and 0.00017; gnomAD exomes 0.00011 and 0.00018; ExAC 0.00028.
gnomAD v4.1: 190 of 1,592,040 alleles (0.012%); highest among the groups gnomAD compares: South Asian, 0.17%; 4 homozygotes.

Submissions (3):

Blueprint Genetics
Classification: Uncertain significance. Last evaluated: 2024-09-12. Review status: criteria provided, single submitter. Criteria: ACMG Guidelines, 2015. Collection method: clinical testing. Allele origin: germline.

CeGaT Center for Human Genetics Tuebingen
Classification: Likely benign. Last evaluated: 2024-07-01. Review status: criteria provided, single submitter. Criteria: CeGaT Center For Human Genetics Tuebingen Variant Classification Criteria Version 2. Collection method: clinical testing. Allele origin: germline. Affected: yes. Observed: 1 variant allele.
Comment: MYO3A: BP4, BS2

GeneDx
Classification: Uncertain significance. Last evaluated: 2019-08-26. Review status: criteria provided, single submitter. Criteria: GeneDx Variant Classification Process June 2021. Collection method: clinical testing. Allele origin: germline. Affected: yes.
Comment: In silico analysis, which includes protein predictors and evolutionary conservation, supports that this variant does not alter protein structure/function; Has not been previously published as pathogenic or benign to our knowledge